The following is an entry in ClinVar:

NM_001330691.3(CEP78):c.2064G>A (p.Leu688=)

Gene: CEP78 (centrosomal protein 78; plus strand). Cytogenetic location: 9q21.2.
Variant type: single nucleotide variant.
Coding change: c.2064G>A on transcript NM_001330691.3 (MANE Select); coding-DNA position 2064, G replaced by A.
Protein change: p.Leu688=; no amino-acid change (leucine 688 retained).
Molecular consequence: synonymous variant.
Genome position (GRCh38, 1-based): chr9:78,266,660, G>A. VCF-style: chr9-78266660-G-A. GRCh37 (hg19) VCF-style: chr9-80881576-G-A.
Other names: c.2067G>A (NM_001098802.1); c.2067G>A, p.Leu689= (NM_001098802.3, NM_001349839.2); c.2016G>A, p.Leu672= (NM_001330693.3, NM_001330694.2); c.2064G>A, p.Leu688= (NM_001349838.2); c.2019G>A, p.Leu673= (NM_001349840.2, NM_032171.3).
Identifiers: ClinVar variation 1164803 (VCV001164803.11), dbSNP rs192270589, ClinGen allele CA5095424.

ClinVar aggregate classification (germline): Benign/Likely benign. Review status: criteria provided, multiple submitters, no conflicts (2 of 4 stars). 3 submissions from 3 submitters: Benign (1); Likely benign (2). Last evaluated 2026-01-22.

Conditions:
CEP78-related disorder. Also called: CEP78-related condition.

Allele frequency attached by ClinVar (database versions not stated): gnomAD exomes 0.00003 and 0.00018; gnomAD 0.00005; TOPMed 0.00009; ExAC 0.00015; 1000 Genomes Project 0.00020; 1000 Genomes Project 30x 0.00031.
gnomAD v4.1: 50 of 1,612,198 alleles (0.0031%); highest among the groups gnomAD compares: East Asian, 0.1%; 1 homozygote.

Submissions (3):

Labcorp Genetics (formerly Invitae), Labcorp
Classification: Benign. Last evaluated: 2026-01-22. Review status: criteria provided, single submitter. Criteria: Invitae Variant Classification Sherloc (09022015). Collection method: clinical testing. Allele origin: germline.

PreventionGenetics, part of Exact Sciences
Classification: Likely benign for CEP78-related condition. Last evaluated: 2025-06-09. Review status: criteria provided, single submitter. Criteria: ACMG Guidelines, 2015. Collection method: clinical testing. Allele origin: germline.
Comment: This variant is classified as likely benign based on ACMG/AMP sequence variant interpretation guidelines (Richards et al. 2015 PMID: 25741868, with internal and published modifications).

Blueprint Genetics
Classification: Likely benign. Last evaluated: 2024-02-12. Review status: criteria provided, single submitter. Criteria: ACMG Guidelines, 2015. Collection method: clinical testing. Allele origin: germline.